The following is an entry in ClinVar:

ClinVar aggregate classification (germline): Uncertain significance. Review status: criteria provided, multiple submitters, no conflicts (2 of 4 stars). 3 submissions from 3 submitters: Uncertain significance (3). Last evaluated 2025-09-03.

Conditions:
Hereditary cancer-predisposing syndrome. Also called: Tumor predisposition; Neoplastic Syndromes, Hereditary; Hereditary Cancer Syndrome; Hereditary neoplastic syndrome. Identifiers: Orphanet 140162, MedGen C0027672, MeSH D009386, MONDO:0015356.
Hereditary nonpolyposis colorectal neoplasms. Identifiers: MedGen C0009405, MeSH D003123.
Endometrial carcinoma. Also called: Endometrial carcinoma, somatic. Identifiers: MedGen C0476089, MONDO:0002447, OMIM 608089, HP:0012114.

Submissions (3):

Labcorp Genetics (formerly Invitae), Labcorp
Classification: Uncertain significance for Hereditary nonpolyposis colorectal neoplasms. Last evaluated: 2025-09-03. Review status: criteria provided, single submitter. Criteria: Invitae Variant Classification Sherloc (09022015). Collection method: clinical testing. Allele origin: germline.
Comment: This sequence change replaces glutamine, which is neutral and polar, with histidine, which is basic and polar, at codon 1048 of the MSH6 protein (p.Gln1048His). This variant is not present in population databases (gnomAD no frequency). This variant has not been reported in the literature in individuals affected with MSH6-related conditions. ClinVar contains an entry for this variant (Variation ID: 1728120). Invitae Evidence Modeling of protein sequence and biophysical properties (such as structural, functional, and spatial information, amino acid conservation, physicochemical variation, residue mobility, and thermodynamic stability) indicates that this missense variant is not expected to disrupt MSH6 protein function with a negative predictive value of 95%. In summary, the available evidence is currently insufficient to determine the role of this variant in disease. Therefore, it has been classified as a Variant of Uncertain Significance.

Ambry Genetics
Classification: Uncertain significance for Hereditary cancer-predisposing syndrome. Last evaluated: 2023-09-01. Review status: criteria provided, single submitter. Criteria: Ambry Variant Classification Scheme 2023. Collection method: clinical testing. Allele origin: germline.
Comment: The p.Q1048H variant (also known as c.3144G>C), located in coding exon 4 of the MSH6 gene, results from a G to C substitution at nucleotide position 3144. The glutamine at codon 1048 is replaced by histidine, an amino acid with highly similar properties. This amino acid position is not well conserved in available vertebrate species. In addition, the in silico prediction for this alteration is inconclusive. Since supporting evidence is limited at this time, the clinical significance of this alteration remains unclear.

Baylor Genetics
Classification: Uncertain significance for Endometrial carcinoma. Last evaluated: 2023-07-14. Review status: criteria provided, single submitter. Criteria: ACMG Guidelines, 2015. Collection method: clinical testing. Allele origin: unknown.

NM_000179.3(MSH6):c.3144G>C (p.Gln1048His)

Gene: MSH6 (mutS homolog 6; plus strand). Cytogenetic location: 2p16.3.
Variant type: single nucleotide variant.
Coding change: c.3144G>C on transcript NM_000179.3 (MANE Select); coding-DNA position 3144, G replaced by C.
Protein change: p.Gln1048His; replaces glutamine 1048 with histidine.
Molecular consequence: missense variant.
Genome position (GRCh38, 1-based): chr2:47,801,127, G>C. VCF-style: chr2-47801127-G-C. GRCh37 (hg19) VCF-style: chr2-48028266-G-C.
Other names: c.2847G>C, p.Gln949His (NM_001406827.1, NM_001406828.1, NM_001406797.1 and 10 more transcripts); c.2238G>C, p.Gln746His (NM_001406829.1, NM_001281493.2, NM_001281494.2 and 6 more transcripts); c.2754G>C, p.Gln918His (NM_001281492.2); c.3240G>C, p.Gln1080His (NM_001406795.1, NM_001406802.1); c.3144G>C, p.Gln1048His (NM_001406796.1, NM_001406798.1, NM_001406800.1 and 2 more transcripts); c.2619G>C, p.Gln873His (NM_001406799.1, NM_001406806.1, NM_001406807.1); c.3066G>C, p.Gln1022His (NM_001406804.1); c.3150G>C, p.Gln1050His (NM_001406813.1); and 2 more; short protein forms Q1022H, Q363H, Q1050H, Q992H, Q746H, Q1048H, Q1080H, Q873H.
Identifiers: ClinVar variation 1728120 (VCV001728120.7), dbSNP rs1173733811, ClinGen allele CA346756696.